The following is an entry in ClinVar:

NM_006904.7(PRKDC):c.12183-5del

Gene: PRKDC (protein kinase, DNA-activated, catalytic subunit; minus strand). Cytogenetic location: 8q11.21.
Variant type: Deletion.
Coding change: c.12183-5del on transcript NM_006904.7 (MANE Select); 5 bases into the intron before coding-DNA position 12183, one base deleted (T; older notation c.12183-5delT).
Molecular consequence: intron variant.
Genome position (GRCh38, 1-based): chr8:47,774,382, A deleted on the plus strand (T on the coding strand, the reverse complement: PRKDC is on the minus strand); the first of 8 consecutive A bases (chr8:47,774,382-47,774,389); deleting any one gives the same sequence. VCF-style (leftmost placement, unchanged base first): chr8-47774381-GA-G. GRCh37 (hg19) VCF-style: chr8-48686942-GA-G.
Other names: c.12090-5del (NM_001081640.2).
Identifiers: ClinVar variation 1148224 (VCV001148224.24), dbSNP rs545199062, ClinGen allele CA4738874.

ClinVar aggregate classification (germline): Conflicting classifications of pathogenicity. Review status: criteria provided, conflicting classifications (1 of 4 stars). 2 submissions from 2 submitters: Uncertain significance (1); Likely benign (1). Last evaluated 2026-01-09.

Conditions:
Severe combined immunodeficiency due to DNA-PKcs deficiency. Also called: IMMUNODEFICIENCY 26 WITH NEUROLOGIC ABNORMALITIES; Immunodeficiency 26 with or without neurologic abnormalities. Identifiers: Orphanet 317425, MedGen C4014833, MONDO:0014423, OMIM 615966.

Submissions (2):

Labcorp Genetics (formerly Invitae), Labcorp
Classification: Likely benign for Severe combined immunodeficiency due to DNA-PKcs deficiency. Last evaluated: 2026-01-09. Review status: criteria provided, single submitter. Criteria: Invitae Variant Classification Sherloc (09022015). Collection method: clinical testing. Allele origin: germline.

CeGaT Center for Human Genetics Tuebingen
Classification: Uncertain significance. Last evaluated: 2024-07-01. Review status: criteria provided, single submitter. Criteria: CeGaT Center For Human Genetics Tuebingen Variant Classification Criteria Version 2. Collection method: clinical testing. Allele origin: germline. Affected: yes. Observed: 1 variant allele.
Comment: PRKDC: PM2, BP4